The following is an entry in ClinVar:

NM_007194.4(CHEK2):c.754A>G (p.Ser252Gly)

Gene: CHEK2 (checkpoint kinase 2; minus strand). Cytogenetic location: 22q12.1.
Variant type: single nucleotide variant.
Coding change: c.754A>G on transcript NM_007194.4 (MANE Select); coding-DNA position 754, A replaced by G.
Protein change: p.Ser252Gly; replaces serine 252 with glycine.
Molecular consequence: missense variant.
Genome position (GRCh38, 1-based): chr22:28,711,947, T>C on the plus strand (A>G on the coding strand, the complement: CHEK2 is on the minus strand). VCF-style: chr22-28711947-T-C. GRCh37 (hg19) VCF-style: chr22-29107935-T-C.
Other names: c.883A>G, p.Ser295Gly (NM_001005735.3); c.91A>G, p.Ser31Gly (NM_001257387.3); c.553A>G, p.Ser185Gly (NM_001349956.3); c.754A>G, p.Ser252Gly (NM_145862.3); short protein forms S185G, S295G, S31G, S252G.
Identifiers: ClinVar variation 646473 (VCV000646473.13), dbSNP rs780042868, ClinGen allele CA10167882.
Genomic context (GRCh38, chr22:28,711,947, plus strand): 5'-TCAGCCTTTTATTGGTACTTACTGCCTCTCTTGCTGAACCAATAGCAAACTTCCTTTTGC[T>C]GATGATCTTTATGGCTACTTTCTTACATGTTTTCCTCTCGAAAGCCAGCTTTACCTCTCC-3'
Protein context (NP_009125.1, residues 242-262): TCKKVAIKII[Ser252Gly]KRKFAIGSAR

ClinVar aggregate classification (germline): Uncertain significance. Review status: criteria provided, multiple submitters, no conflicts (2 of 4 stars). 2 submissions from 2 submitters: Uncertain significance (2). Last evaluated 2023-01-25.

Conditions:
Familial cancer of breast. Also called: hereditary breast carcinoma; Hereditary breast cancer; BREAST CANCER, FAMILIAL. Identifiers: Orphanet 227535, MedGen C0346153, MONDO:0016419, OMIM 114480. Disease mechanism: loss of function.
Hereditary cancer-predisposing syndrome. Also called: Hereditary Cancer Syndrome; Tumor predisposition; Hereditary neoplastic syndrome; Neoplastic Syndromes, Hereditary. Identifiers: Orphanet 140162, MedGen C0027672, MeSH D009386, MONDO:0015356.

Allele frequency attached by ClinVar (database versions not stated): gnomAD exomes below 0.00001; ExAC 0.00002.
gnomAD v4.1: 1 of 1,614,038 alleles (0.000062%); highest among the groups gnomAD compares: South Asian, 0.0011%; no homozygotes.

Submissions (2):

Ambry Genetics
Classification: Uncertain significance for Hereditary cancer-predisposing syndrome. Last evaluated: 2023-01-25. Review status: criteria provided, single submitter. Criteria: Ambry Variant Classification Scheme 2023. Collection method: clinical testing. Allele origin: germline.
Comment: The p.S252G variant (also known as c.754A>G), located in coding exon 5 of the CHEK2 gene, results from an A to G substitution at nucleotide position 754. The serine at codon 252 is replaced by glycine, an amino acid with similar properties. This amino acid position is highly conserved in available vertebrate species. In addition, the in silico prediction for this alteration is inconclusive. Since supporting evidence is limited at this time, the clinical significance of this alteration remains unclear.

Labcorp Genetics (formerly Invitae), Labcorp
Classification: Uncertain significance for Familial cancer of breast. Last evaluated: 2022-03-08. Review status: criteria provided, single submitter. Criteria: Invitae Variant Classification Sherloc (09022015). Collection method: clinical testing. Allele origin: germline.
Comment: In summary, the available evidence is currently insufficient to determine the role of this variant in disease. Therefore, it has been classified as a Variant of Uncertain Significance. Algorithms developed to predict the effect of missense changes on protein structure and function (SIFT, PolyPhen-2, Align-GVGD) all suggest that this variant is likely to be tolerated. ClinVar contains an entry for this variant (Variation ID: 646473). This variant has not been reported in the literature in individuals affected with CHEK2-related conditions. This variant is present in population databases (rs780042868, gnomAD 0.003%). This sequence change replaces serine, which is neutral and polar, with glycine, which is neutral and non-polar, at codon 252 of the CHEK2 protein (p.Ser252Gly).